The following is an entry in ClinVar:

ClinVar aggregate classification (germline): Likely benign (1 of 4 stars; one submission).

Submission:

CeGaT Center for Human Genetics Tuebingen
Classification: Likely benign. Last evaluated: 2026-04-01. Review status: criteria provided, single submitter. Criteria: CeGaT Center For Human Genetics Tuebingen Variant Classification Criteria Version 2. Collection method: clinical testing. Allele origin: germline. Affected: yes. Observed: 1 variant allele.
Comment: HPDL: BP4, BP7

NM_032756.4(HPDL):c.777G>T (p.Val259=)

Gene: HPDL (4-hydroxyphenylpyruvate dioxygenase like; plus strand). Cytogenetic location: 1p34.1.
Variant type: single nucleotide variant.
Coding change: c.777G>T on transcript NM_032756.4 (MANE Select); coding-DNA position 777, G replaced by T.
Protein change: p.Val259=; no amino-acid change (valine 259 retained).
Molecular consequence: synonymous variant.
Genome position (GRCh38, 1-based): chr1:45,327,925, G>T. VCF-style: chr1-45327925-G-T. GRCh37 (hg19) VCF-style: chr1-45793597-G-T.
Identifiers: ClinVar variation 4872854 (VCV004872854.2).